The following is an entry in ClinVar:

ClinVar aggregate classification (germline): Uncertain significance (1 of 4 stars; one submission).

Conditions:
Hypomyelination and Congenital Cataract (HLD5). Also called: hypomyelinating leukodystrophy 5. Identifiers: Orphanet 85163, MedGen C1864663, MONDO:0012514, OMIM 610532.

Allele frequency attached by ClinVar (database versions not stated): TOPMed below 0.00001; ESP Exome Variant Server 0.00008; ExAC 0.00011; gnomAD 0.00011 and 0.00012; gnomAD exomes 0.00016.
gnomAD v4.1: 111 of 1,613,382 alleles (0.0069%); highest among the groups gnomAD compares: Middle Eastern, 0.016%; no homozygotes.

Submission:

Labcorp Genetics (formerly Invitae), Labcorp
Classification: Uncertain significance for Hypomyelination and Congenital Cataract. Last evaluated: 2022-01-14. Review status: criteria provided, single submitter. Criteria: Invitae Variant Classification Sherloc (09022015). Collection method: clinical testing. Allele origin: germline.
Comment: In summary, the available evidence is currently insufficient to determine the role of this variant in disease. Therefore, it has been classified as a Variant of Uncertain Significance. Algorithms developed to predict the effect of missense changes on protein structure and function output the following: SIFT: "Tolerated"; PolyPhen-2: "Benign"; Align-GVGD: "Class C15". The leucine amino acid residue is found in multiple mammalian species, which suggests that this missense change does not adversely affect protein function. This variant has not been reported in the literature in individuals affected with FAM126A-related conditions. This variant is present in population databases (rs144706867, gnomAD 0.1%). This sequence change replaces serine, which is neutral and polar, with leucine, which is neutral and non-polar, at codon 362 of the FAM126A protein (p.Ser362Leu).

NM_032581.4(HYCC1):c.1085C>T (p.Ser362Leu)

Gene: HYCC1 (hyccin PI4KA lipid kinase complex subunit 1; minus strand). Cytogenetic location: 7p15.3.
Variant type: single nucleotide variant.
Coding change: c.1085C>T on transcript NM_032581.4 (MANE Select); coding-DNA position 1085, C replaced by T.
Protein change: p.Ser362Leu; replaces serine 362 with leucine.
Molecular consequence: missense variant. On other transcripts: 3 prime UTR variant (2).
Genome position (GRCh38, 1-based): chr7:22,946,070, G>A on the plus strand (C>T on the coding strand, the complement: HYCC1 is on the minus strand). VCF-style: chr7-22946070-G-A. GRCh37 (hg19) VCF-style: chr7-22985689-G-A.
Other names: c.*121C>T (NM_001363466.2); c.*79C>T (NM_001363467.2); short protein forms S362L.
Identifiers: ClinVar variation 1525115 (VCV001525115.7), dbSNP rs144706867, ClinGen allele CA4185793.